The following is an entry in ClinVar:

ClinVar aggregate classification (germline): Uncertain significance (1 of 4 stars; one submission).

Conditions:
Familial temporal lobe epilepsy 7. Identifiers: Orphanet 101046, MedGen C4225327, MONDO:0014639, OMIM 616436.
Norman-Roberts syndrome (LIS2). Also called: Lissencephaly 2 (Norman-Roberts type). Identifiers: Orphanet 89844, MedGen C0796089, MONDO:0009760, OMIM 257320.

Submission:

Labcorp Genetics (formerly Invitae), Labcorp
Classification: Uncertain significance for Familial temporal lobe epilepsy 7; Norman-Roberts syndrome. Last evaluated: 2021-08-27. Review status: criteria provided, single submitter. Criteria: Invitae Variant Classification Sherloc (09022015). Collection method: clinical testing. Allele origin: germline.
Comment: In summary, the available evidence is currently insufficient to determine the role of this variant in disease. Therefore, it has been classified as a Variant of Uncertain Significance. Algorithms developed to predict the effect of missense changes on protein structure and function are either unavailable or do not agree on the potential impact of this missense change (SIFT: "Deleterious"; PolyPhen-2: "Probably Damaging"; Align-GVGD: "Class C0"). This variant has not been reported in the literature in individuals with RELN-related conditions. This variant is not present in population databases (ExAC no frequency). This sequence change replaces threonine with isoleucine at codon 595 of the RELN protein (p.Thr595Ile). The threonine residue is highly conserved and there is a moderate physicochemical difference between threonine and isoleucine.

NM_005045.4(RELN):c.1784C>T (p.Thr595Ile)

Gene: RELN (reelin; minus strand). Cytogenetic location: 7q22.1.
Variant type: single nucleotide variant.
Coding change: c.1784C>T on transcript NM_005045.4 (MANE Select); coding-DNA position 1784, C replaced by T.
Protein change: p.Thr595Ile; replaces threonine 595 with isoleucine.
Molecular consequence: missense variant.
Genome position (GRCh38, 1-based): chr7:103,651,769, G>A on the plus strand (C>T on the coding strand, the complement: RELN is on the minus strand). VCF-style: chr7-103651769-G-A. GRCh37 (hg19) VCF-style: chr7-103292216-G-A.
Other names: c.1784C>T, p.Thr595Ile (NM_173054.3); short protein forms T595I.
Identifiers: ClinVar variation 1415403 (VCV001415403.8), dbSNP rs2117389352, ClinGen allele CA368764569.
Genomic context (GRCh38, chr7:103,651,769, plus strand): 5'-CCAGCACAGATCTCAGGTAAGCATTCAGTGTGAAGGAGGGACCAGGAGCGCCCATGGTTG[G>A]TAGAAAATTCCAAGCTGACACTAATAAAACCAGAACAAGCACACACAAAAGGTGGGGAGG-3'
Protein context (NP_005036.2, residues 585-605): PGNSVSLEFS[Thr595Ile]NHGRSWSLLH